The following is an entry in ClinVar:

ClinVar aggregate classification (germline): Benign/Likely benign. Review status: criteria provided, multiple submitters, no conflicts (2 of 4 stars). 5 submissions from 5 submitters: Benign (4); Likely benign (1). Last evaluated 2026-02-02.

Conditions:
Myopathy, proximal, and ophthalmoplegia (CMYO6). Also called: INCLUSION BODY MYOPATHY 3, AUTOSOMAL DOMINANT; CONGENITAL MYOPATHY 6 WITH OPHTHALMOPLEGIA; MYOPATHY WITH CONGENITAL JOINT CONTRACTURES, OPHTHALMOPLEGIA, AND RIMMED VACUOLES. Identifiers: Orphanet 363677, Orphanet 79091, MedGen C1854106, MONDO:0011577, OMIM 605637.

Allele frequency attached by ClinVar (database versions not stated): gnomAD exomes 0.00046; gnomAD 0.00514 and 0.00548; 1000 Genomes Project 30x 0.00547; 1000 Genomes Project 0.00559; TOPMed 0.00587; ESP Exome Variant Server 0.00730.
gnomAD v4.1: 1,469 of 1,614,160 alleles (0.091%); highest among the groups gnomAD compares: African/African-American, 1.8%; 16 homozygotes.

Submissions (5):

Labcorp Genetics (formerly Invitae), Labcorp
Classification: Benign for Myopathy, proximal, and ophthalmoplegia. Last evaluated: 2026-02-02. Review status: criteria provided, single submitter. Criteria: Invitae Variant Classification Sherloc (09022015). Collection method: clinical testing. Allele origin: germline.

Blueprint Genetics
Classification: Likely benign. Last evaluated: 2024-11-14. Review status: criteria provided, single submitter. Criteria: ACMG Guidelines, 2015. Collection method: clinical testing. Allele origin: germline.

GeneDx
Classification: Benign. Last evaluated: 2019-10-18. Review status: criteria provided, single submitter. Criteria: GeneDx Variant Classification Process June 2021. Collection method: clinical testing. Allele origin: germline. Affected: yes.

Illumina Laboratory Services, Illumina
Classification: Benign for Myopathy, proximal, and ophthalmoplegia. Last evaluated: 2018-01-12. Review status: criteria provided, single submitter. Criteria: ICSL Variant Classification Criteria 13 December 2019. Collection method: clinical testing. Allele origin: germline.
Comment: This variant was observed in the ICSL laboratory as part of a predisposition screen in an ostensibly healthy population. It had not been previously curated by ICSL or reported in the Human Gene Mutation Database (HGMD: prior to June 1st, 2018), and was therefore a candidate for classification through an automated scoring system. Utilizing variant allele frequency, disease prevalence and penetrance estimates, and inheritance mode, an automated score was calculated to assess if this variant is too frequent to cause the disease. Based on the score and internal cut-off values, a variant classified as benign is not then subjected to further curation. The score for this variant resulted in a classification of benign for this disease.

Breakthrough Genomics
Classification: Benign. Review status: criteria provided, single submitter. Criteria: ACMG Guidelines, 2015. Collection method: not provided. Allele origin: germline. Inheritance: Autosomal dominant inheritance. Affected: yes.

NM_017534.6(MYH2):c.2382C>A (p.Thr794=)

Genes: MYH2 (myosin heavy chain 2; minus strand), MYHAS (myosin heavy chain gene cluster antisense RNA; plus strand). Cytogenetic location: 17p13.1.
Variant type: single nucleotide variant.
Coding change: c.2382C>A on transcript NM_017534.6 (MANE Select); coding-DNA position 2382, C replaced by A.
Protein change: p.Thr794=; no amino-acid change (threonine 794 retained).
Molecular consequence: synonymous variant.
Genome position (GRCh38, 1-based): chr17:10,533,344, G>T on the plus strand (C>A on the coding strand, the complement: MYH2 is on the minus strand). VCF-style: chr17-10533344-G-T. GRCh37 (hg19) VCF-style: chr17-10436661-G-T.
Other names: c.2382C>A, p.Thr794= (NM_001100112.2).
Identifiers: ClinVar variation 465928 (VCV000465928.23), dbSNP rs76400103, ClinGen allele CA8391140.